The following is an entry in ClinVar:

NM_002691.4(POLD1):c.1362C>G (p.Arg454=)

Gene: POLD1 (DNA polymerase delta 1, catalytic subunit; plus strand). Cytogenetic location: 19q13.33.
Variant type: single nucleotide variant.
Coding change: c.1362C>G on transcript NM_002691.4 (MANE Select); coding-DNA position 1362, C replaced by G.
Protein change: p.Arg454=; no amino-acid change (arginine 454 retained).
Molecular consequence: synonymous variant. On other transcripts: non-coding transcript variant (1).
Genome position (GRCh38, 1-based): chr19:50,406,301, C>G. VCF-style: chr19-50406301-C-G. GRCh37 (hg19) VCF-style: chr19-50909558-C-G.
Other names: c.1362C>G, p.Arg454= (NM_001256849.1, NM_001308632.1).
Identifiers: ClinVar variation 1542008 (VCV001542008.7), dbSNP rs773075581, ClinGen allele CA508304808.
Genomic context (GRCh38, chr19:50,406,301, plus strand): 5'-TTCATTCCAGTCCAAGCAGACGGGCCGGCGGGACACCAAGGTTGTCAGCATGGTGGGCCG[C>G]GTGCAGATGGACATGCTGCAGGTATGGGCGGGAGGTGGGGTGTGTCCCTGTCCTTGGAAG-3'
Protein context (NP_002682.2, residues 444-464): RDTKVVSMVG[Arg454=]VQMDMLQVLL

ClinVar aggregate classification (germline): Benign/Likely benign. Review status: criteria provided, multiple submitters, no conflicts (2 of 4 stars). 2 submissions from 2 submitters: Benign (1); Likely benign (1). Last evaluated 2025-02-06.

Conditions:
POLD1-related polyposis and colorectal cancer syndrome (CRCS10). Also called: Colorectal cancer 10; COLORECTAL CANCER, SUSCEPTIBILITY TO, ON CHROMOSOME 19q; Colorectal cancer, susceptibility to, 10. Identifiers: Orphanet 220460, MedGen C2675481, MONDO:0012953, OMIM 612591.

gnomAD v4.1: 1 of 1,613,930 alleles (0.000062%); highest among the groups gnomAD compares: Non-Finnish European, 0.000085%; no homozygotes.

Submissions (2):

Myriad Genetics, Inc.
Classification: Benign for POLD1-related polyposis and colorectal cancer syndrome. Last evaluated: 2025-02-06. Review status: criteria provided, single submitter. Criteria: Myriad Autosomal Dominant, Autosomal Recessive and X-Linked Classification Criteria (2023). Collection method: clinical testing. Allele origin: unknown.
Comment: This variant is considered benign. This variant is a silent/synonymous amino acid change and it is not expected to impact splicing.

Labcorp Genetics (formerly Invitae), Labcorp
Classification: Likely benign for POLD1-related polyposis and colorectal cancer syndrome. Last evaluated: 2023-12-11. Review status: criteria provided, single submitter. Criteria: Invitae Variant Classification Sherloc (09022015). Collection method: clinical testing. Allele origin: germline.